The following is an entry in ClinVar:

NM_020975.6(RET):c.707A>C (p.Lys236Thr)

Gene: RET (ret proto-oncogene; plus strand). Cytogenetic location: 10q11.21.
Variant type: single nucleotide variant.
Coding change: c.707A>C on transcript NM_020975.6 (MANE Select); coding-DNA position 707, A replaced by C.
Protein change: p.Lys236Thr; replaces lysine 236 with threonine.
Molecular consequence: missense variant. On other transcripts: 5 prime UTR variant (1), intron variant (22).
Genome position (GRCh38, 1-based): chr10:43,105,033, A>C. VCF-style: chr10-43105033-A-C. GRCh37 (hg19) VCF-style: chr10-43600481-A-C.
Other names: c.707A>C, p.Lys236Thr (NM_000323.2, NM_001406743.1, NM_001406744.1 and 8 more transcripts); c.-56A>C (NM_001355216.2); c.578A>C, p.Lys193Thr (NM_001406761.1, NM_001406762.1, NM_001406764.1 and 2 more transcripts); c.419A>C, p.Lys140Thr (NM_001406766.1, NM_001406767.1, NM_001406770.1); c.625+2404A>C (NM_001406773.1, NM_001406771.1, NM_001406782.1 and 5 more transcripts); c.496+2404A>C (NM_001406786.1, NM_001406783.1); c.338-3998A>C (NM_001406778.1, NM_001406775.1, NM_001406776.1 and 1 more transcripts); c.337+4311A>C (NM_001406790.1, NM_001406788.1, NM_001406789.1 and 1 more transcripts); and 2 more; short protein forms K236T, K140T, K193T.
Identifiers: ClinVar variation 2568350 (VCV002568350.2), dbSNP rs2538386032, ClinGen allele CA376544643.

ClinVar aggregate classification (germline): Uncertain significance (1 of 4 stars; one submission).

Conditions:
Hereditary cancer-predisposing syndrome. Also called: Hereditary neoplastic syndrome; Hereditary Cancer Syndrome; Neoplastic Syndromes, Hereditary; Tumor predisposition. Identifiers: Orphanet 140162, MedGen C0027672, MeSH D009386, MONDO:0015356.

Submission:

Ambry Genetics
Classification: Uncertain significance for Hereditary cancer-predisposing syndrome. Last evaluated: 2023-05-01. Review status: criteria provided, single submitter. Criteria: Ambry Variant Classification Scheme 2023. Collection method: clinical testing. Allele origin: germline.
Comment: The p.K236T variant (also known as c.707A>C), located in coding exon 4 of the RET gene, results from an A to C substitution at nucleotide position 707. The lysine at codon 236 is replaced by threonine, an amino acid with similar properties. This amino acid position is conserved. In addition, this alteration is predicted to be tolerated by in silico analysis. Since supporting evidence is limited at this time, the clinical significance of this alteration remains unclear.